The following is an entry in ClinVar:

NM_000228.3(LAMB3):c.727C>T (p.Gln243Ter)

Gene: LAMB3 (laminin subunit beta 3; minus strand). Cytogenetic location: 1q32.2.
Variant type: single nucleotide variant.
Coding change: c.727C>T on transcript NM_000228.3 (MANE Select); coding-DNA position 727, C replaced by T.
Protein change: p.Gln243Ter; replaces glutamine 243 with a stop codon.
Molecular consequence: nonsense.
Genome position (GRCh38, 1-based): chr1:209,632,678, G>A on the plus strand (C>T on the coding strand, the complement: LAMB3 is on the minus strand). VCF-style: chr1-209632678-G-A. GRCh37 (hg19) VCF-style: chr1-209806023-G-A.
Other names: c.727C>T, p.Gln243Ter (NM_001017402.2, NM_001127641.1); short protein forms Q243*.
Identifiers: ClinVar variation 35480 (VCV000035480.25), dbSNP rs80356681, ClinGen allele CA341658.

ClinVar aggregate classification (germline): Pathogenic/Likely pathogenic. Review status: criteria provided, multiple submitters, no conflicts (2 of 4 stars). 8 submissions from 8 submitters: Pathogenic (4); Likely pathogenic (1). 3 of the submissions do not count toward it. Last evaluated 2023-12-11.

Conditions:
Junctional epidermolysis bullosa gravis of Herlitz. Also called: Epidermolysis Bullosa Letalis; JEB-HERLITZ TYPE; Herlitz-type junctional epidermolysis bullosa; EPIDERMOLYSIS BULLOSA, JUNCTIONAL 1B, SEVERE; EPIDERMOLYSIS BULLOSA JUNCTIONALIS, HERLITZ TYPE; EPIDERMOLYSIS BULLOSA, JUNCTIONAL, HERLITZ-PEARSON TYPE. Identifiers: Orphanet 79404, MedGen C0079683, MONDO:0009182, OMIM 226700.
Junctional epidermolysis bullosa, non-Herlitz type. Also called: Adult junctional epidermolysis bullosa; Epidermolysis bullosa, junctional, non-herlitz type, somatic mosaic revertant; COL17A1-Related Junctional Epidermolysis Bullosa; EPIDERMOLYSIS BULLOSA, JUNCTIONAL 1A, INTERMEDIATE; EPIDERMOLYSIS BULLOSA JUNCTIONALIS, DISENTIS TYPE; EPIDERMOLYSIS BULLOSA JUNCTIONALIS, NON-HERLITZ TYPE. Identifiers: Orphanet 251393, Orphanet 79402, Orphanet 79405, Orphanet 89840, MedGen C0268374, MONDO:0009180, OMIM 226650.
Amelogenesis imperfecta type 1A. Also called: Amelogenesis imperfecta local hypoplastic; Amelogenesis imperfecta, type IA; Amelogenesis imperfecta, hypoplastic type; AMELOGENESIS IMPERFECTA, HYPOPLASTIC TYPE IA. Identifiers: Orphanet 88661, MedGen C4011403, MONDO:0007094, OMIM 104530.
Junctional epidermolysis bullosa. Identifiers: Orphanet 305, MedGen C0079301, MONDO:0017612.

Allele frequency attached by ClinVar (database versions not stated): ExAC 0.00001; gnomAD exomes 0.00001; TOPMed 0.00002; gnomAD 0.00005.

Submissions (8):

Labcorp Genetics (formerly Invitae), Labcorp
Classification: Pathogenic. Last evaluated: 2023-12-11. Review status: criteria provided, single submitter. Criteria: Invitae Variant Classification Sherloc (09022015). Collection method: clinical testing. Allele origin: germline.
Comment: This sequence change creates a premature translational stop signal (p.Gln243*) in the LAMB3 gene. It is expected to result in an absent or disrupted protein product. Loss-of-function variants in LAMB3 are known to be pathogenic (PMID: 11023379, 16473856). This variant is present in population databases (rs80356681, gnomAD 0.008%). This premature translational stop signal has been observed in individuals with junctional epidermolysis bullosa (PMID: 8824879, 9326326). ClinVar contains an entry for this variant (Variation ID: 35480). Algorithms developed to predict the effect of sequence changes on RNA splicing suggest that this variant may disrupt the consensus splice site. For these reasons, this variant has been classified as Pathogenic.

GeneDx
Classification: Pathogenic. Last evaluated: 2023-09-13. Review status: criteria provided, single submitter. Criteria: GeneDx Variant Classification Process June 2021. Collection method: clinical testing. Allele origin: germline. Affected: yes.
Comment: Nonsense variant predicted to result in protein truncation or nonsense mediated decay in a gene for which loss of function is a known mechanism of disease; This variant is associated with the following publications: (PMID: 25525159, 34426522, 34582790, 17000025, 27913086, 9326326, 8824879)

Department of Pathology and Laboratory Medicine, Sinai Health System
Classification: Pathogenic for Amelogenesis imperfecta type 1A; Junctional epidermolysis bullosa, non-Herlitz type; Junctional epidermolysis bullosa gravis of Herlitz. Last evaluated: 2022-05-03. Review status: criteria provided, single submitter. Criteria: ACMG Guidelines, 2015. Collection method: research. Allele origin: germline.

Women's Health and Genetics/Laboratory Corporation of America, LabCorp
Classification: Pathogenic for Junctional epidermolysis bullosa. Last evaluated: 2020-06-08. Review status: criteria provided, single submitter. Criteria: LabCorp Variant Classification Summary - May 2015. Collection method: clinical testing. Allele origin: germline.
Comment: Variant summary: LAMB3 c.727C>T (p.Gln243X) results in a premature termination codon, predicted to cause a truncation of the encoded protein or absence of the protein due to nonsense mediated decay, which are commonly known mechanisms for disease. Truncations downstream of this position have been classified as pathogenic by our laboratory. The variant allele was found at a frequency of 8e-06 in 251416 control chromosomes (gnomAD). c.727C>T has been reported in the literature, in the compound heterozygous or homozygous state, in multiple individuals affected with Junctional Epidermolysis Bullosa (e.g. Hammersen_2016, Kivirikko_1996, Pfender_2003, Robbins_2001). These data indicate that the variant is very likely to be associated with disease. Four ClinVar submitters (evaluation after 2014) cite the variant as pathogenic/likely pathogenic. Based on the evidence outlined above, the variant was classified as pathogenic.

Myriad Genetics, Inc.
Classification: Likely pathogenic for Junctional epidermolysis bullosa gravis of Herlitz. Last evaluated: 2019-12-09. Review status: criteria provided, single submitter. Criteria: Myriad Women's Health Autosomal Recessive and X-Linked Classification Criteria (2019). Collection method: clinical testing. Allele origin: unknown.
Comment: NM_000228.2(LAMB3):c.727C>T(Q243*) is classified as likely pathogenic in the context of Herlitz junctional epidermolysis bullosa, LAMB3-related. Sources cited for classification include the following: PMID 11023379, 8983017, 12813757, 16473856, 9326326 and 8824879. Classification of NM_000228.2(LAMB3):c.727C>T(Q243*) is based on the following criteria: The variant causes a premature termination codon that is expected to be targeted by nonsense-mediated mRNA decay and is reported in individuals with the relevant phenotype. Please note: this variant was assessed in the context of healthy population screening.

Diagnostic Laboratory, Department of Genetics, University Medical Center Groningen
Classification: Pathogenic. Review status: no assertion criteria provided. Collection method: clinical testing. Allele origin: germline. Affected: yes. Study: VKGL Data-share Consensus. Not counted in ClinVar's aggregate classification.

GeneReviews
No classification provided. Condition: Junctional epidermolysis bullosa gravis of Herlitz. Review status: no classification provided. Collection method: literature only. Allele origin: unknown. Not counted in ClinVar's aggregate classification.

Genome Diagnostics Laboratory, University Medical Center Utrecht
Classification: Pathogenic. Review status: no assertion criteria provided. Collection method: clinical testing. Allele origin: germline. Affected: yes. Study: VKGL Data-share Consensus. Not counted in ClinVar's aggregate classification.

Literature cited by the submitters: PubMed 11023379 (cited by Labcorp Genetics (formerly Invitae), Labcorp and Myriad Genetics, Inc.); PubMed 16473856 (cited by Labcorp Genetics (formerly Invitae), Labcorp and Myriad Genetics, Inc.); PubMed 8824879 (cited by 3 submitters); PubMed 9326326 (cited by 3 submitters); PubMed 12813757 (cited by Women's Health and Genetics/Laboratory Corporation of America, LabCorp and Myriad Genetics, Inc.); PubMed 27375110 (cited by Women's Health and Genetics/Laboratory Corporation of America, LabCorp); PubMed 11296269 (cited by Women's Health and Genetics/Laboratory Corporation of America, LabCorp); PubMed 8983017 (cited by Myriad Genetics, Inc.); PubMed 20301304 (cited by GeneReviews); NCBI Bookshelf NBK1125 (cited by GeneReviews).